The following is an entry in ClinVar:

NM_004371.4(COPA):c.646A>T (p.Thr216Ser)

Gene: COPA (coat protein complex I subunit alpha; minus strand). Cytogenetic location: 1q23.2.
Variant type: single nucleotide variant.
Coding change: c.646A>T on transcript NM_004371.4 (MANE Select); coding-DNA position 646, A replaced by T.
Protein change: p.Thr216Ser; replaces threonine 216 with serine.
Molecular consequence: missense variant.
Genome position (GRCh38, 1-based): chr1:160,323,491, T>A on the plus strand (A>T on the coding strand, the complement: COPA is on the minus strand). VCF-style: chr1-160323491-T-A. GRCh37 (hg19) VCF-style: chr1-160293281-T-A.
Other names: c.646A>T, p.Thr216Ser (NM_001098398.2); short protein forms T216S.
Identifiers: ClinVar variation 2847345 (VCV002847345.3), dbSNP rs530428285, ClinGen allele CA343266898.

ClinVar aggregate classification (germline): Uncertain significance (1 of 4 stars; one submission).

Conditions:
Autoimmune interstitial lung disease-arthritis syndrome. Also called: Autoinflammation and autoimmunity, systemic, with immune dysregulation. Identifiers: Orphanet 444092, MedGen C5975714, MONDO:0014629.

gnomAD v4.1: 3 of 1,610,908 alleles (0.00019%); highest among the groups gnomAD compares: Non-Finnish European, 0.00025%; no homozygotes.

Submission:

Labcorp Genetics (formerly Invitae), Labcorp
Classification: Uncertain significance for Autoimmune interstitial lung disease-arthritis syndrome. Last evaluated: 2024-10-03. Review status: criteria provided, single submitter. Criteria: Invitae Variant Classification Sherloc (09022015). Collection method: clinical testing. Allele origin: germline.
Comment: This sequence change replaces threonine, which is neutral and polar, with serine, which is neutral and polar, at codon 216 of the COPA protein (p.Thr216Ser). This variant is present in population databases (no rsID available, gnomAD 0.007%). This variant has not been reported in the literature in individuals affected with COPA-related conditions. Invitae Evidence Modeling of protein sequence and biophysical properties (such as structural, functional, and spatial information, amino acid conservation, physicochemical variation, residue mobility, and thermodynamic stability) indicates that this missense variant is not expected to disrupt COPA protein function with a negative predictive value of 80%. In summary, the available evidence is currently insufficient to determine the role of this variant in disease. Therefore, it has been classified as a Variant of Uncertain Significance.